The following is an entry in ClinVar:

ClinVar aggregate classification (germline): Pathogenic/Likely pathogenic. Review status: criteria provided, multiple submitters, no conflicts (2 of 4 stars). 2 submissions from 2 submitters: Pathogenic (1); Likely pathogenic (1). Last evaluated 2025-06-20.

Conditions:
Wolman disease (WOLD). Also called: Acid cholesteryl ester hydrolase deficiency, Wolman type; Acid lipase disease; LYSOSOMAL ACID LIPASE DEFICIENCY, ACUTE INFANTILE; LYSOSOMAL ACID LIPASE DEFICIENCY, COMPLETE; LIPA DEFICIENCY, COMPLETE; LAL DEFICIENCY, COMPLETE. Identifiers: Orphanet 75233, MedGen C0043208, MONDO:0019148, OMIM 620151.
Lysosomal acid lipase deficiency. Also called: Acid cholesteryl ester hydrolase deficiency, type 2. Identifiers: Orphanet 275761, MedGen C5574740, MONDO:0800449, MONDO:0010204.

Allele frequency attached by ClinVar (database versions not stated): gnomAD exomes below 0.00001.

Submissions (2):

Natera, Inc.
Classification: Likely pathogenic for Lysosomal acid lipase deficiency. Last evaluated: 2025-06-20. Review status: criteria provided, single submitter. Criteria: Natera Variant Classification Schema (03/2026). Collection method: clinical testing. Allele origin: germline.
Comment: The c.890dup variant in LIPA is a frameshift variant predicted to shift the reading frame beginning at codon 297 and leads to a stop codon 5 codons downstream. This variant is expected to result in nonsense mediated decay, truncation, or a dysfunctional protein product. This variant is rare in the general population with a frequency below the threshold expected for the associated phenotype(s). Given the available evidence, this variant is classified as Likely Pathogenic.

Labcorp Genetics (formerly Invitae), Labcorp
Classification: Pathogenic for Wolman disease. Last evaluated: 2022-03-16. Review status: criteria provided, single submitter. Criteria: Invitae Variant Classification Sherloc (09022015). Collection method: clinical testing. Allele origin: germline.
Comment: This sequence change creates a premature translational stop signal (p.Ser297Argfs*5) in the LIPA gene. It is expected to result in an absent or disrupted protein product. Loss-of-function variants in LIPA are known to be pathogenic (PMID: 23485521). This variant is not present in population databases (gnomAD no frequency). This variant has not been reported in the literature in individuals affected with LIPA-related conditions. For these reasons, this variant has been classified as Pathogenic.

Literature cited by the submitters: PubMed 23485521 (cited by Labcorp Genetics (formerly Invitae), Labcorp).

NM_000235.4(LIPA):c.890dup (p.Ser297fs)

Gene: LIPA (lipase A, lysosomal acid type; minus strand). Cytogenetic location: 10q23.31.
Variant type: Duplication.
Coding change: c.890dup on transcript NM_000235.4 (MANE Select); coding-DNA position 890, one base duplicated (G; older notation c.890dupG).
Protein change: p.Ser297fs; shifts the reading frame from serine 297.
Molecular consequence: frameshift variant.
Genome position (GRCh38, 1-based): chr10:89,222,515, C duplicated on the plus strand (G on the coding strand, the reverse complement: LIPA is on the minus strand). VCF-style (leftmost placement, unchanged base first): chr10-89222514-G-GC. GRCh37 (hg19) VCF-style: chr10-90982271-G-GC.
Other names: c.890dup, p.Ser297fs (NM_001127605.3); c.542dup, p.Ser181fs (NM_001288979.2); c.890dup (NM_000235.3); short protein forms S297fs, S181fs.
Identifiers: ClinVar variation 2113120 (VCV002113120.5), dbSNP rs2495575175, ClinGen allele CA2580082246.